The following is an entry in ClinVar:

ClinVar aggregate classification (germline): Uncertain significance (1 of 4 stars; one submission).

Allele frequency attached by ClinVar (database versions not stated): TOPMed below 0.00001; ExAC 0.00003.
gnomAD v4.1: 6 of 1,603,182 alleles (0.00037%); highest among the groups gnomAD compares: Non-Finnish European, 0.00051%; no homozygotes.

Submission:

Labcorp Genetics (formerly Invitae), Labcorp
Classification: Uncertain significance. Last evaluated: 2024-04-16. Review status: criteria provided, single submitter. Criteria: Invitae Variant Classification Sherloc (09022015). Collection method: clinical testing. Allele origin: germline.
Comment: This sequence change replaces serine, which is neutral and polar, with tyrosine, which is neutral and polar, at codon 612 of the FCHO1 protein (p.Ser612Tyr). This variant is present in population databases (rs747334107, gnomAD 0.004%). This variant has not been reported in the literature in individuals affected with FCHO1-related conditions. ClinVar contains an entry for this variant (Variation ID: 2063815). An algorithm developed to predict the effect of missense changes on protein structure and function (PolyPhen-2) suggests that this variant is likely to be disruptive. In summary, the available evidence is currently insufficient to determine the role of this variant in disease. Therefore, it has been classified as a Variant of Uncertain Significance.

NM_015122.3(FCHO1):c.1835C>A (p.Ser612Tyr)

Gene: FCHO1 (FCH and mu domain containing endocytic adaptor 1; plus strand). Cytogenetic location: 19p13.11.
Variant type: single nucleotide variant.
Coding change: c.1835C>A on transcript NM_015122.3 (MANE Select); coding-DNA position 1835, C replaced by A.
Protein change: p.Ser612Tyr; replaces serine 612 with tyrosine.
Molecular consequence: missense variant. On other transcripts: non-coding transcript variant (36).
Genome position (GRCh38, 1-based): chr19:17,781,718, C>A. VCF-style: chr19-17781718-C-A. GRCh37 (hg19) VCF-style: chr19-17892527-C-A.
Other names: c.1760C>A, p.Ser587Tyr (NM_001384390.1); c.1559C>A, p.Ser520Tyr (NM_001384401.1, NM_001384402.1, NM_001384404.1 and 5 more transcripts); c.1514C>A, p.Ser505Tyr (NM_001384403.1); c.1796C>A, p.Ser599Tyr (NM_001384405.1, NM_001384388.1, NM_001384389.1); c.1409C>A, p.Ser470Tyr (NM_001384406.1); c.1265C>A, p.Ser422Tyr (NM_001384407.1); c.1835C>A, p.Ser612Tyr (NM_001161357.2, NM_001161358.2, NM_001384370.1 and 13 more transcripts); c.1685C>A, p.Ser562Tyr (NM_001161359.2, NM_001384384.1, NM_001384385.1 and 1 more transcripts); and 1 more; short protein forms S505Y, S612Y, S422Y, S573Y, S599Y, S470Y, S520Y, S562Y.
Identifiers: ClinVar variation 2063815 (VCV002063815.4), dbSNP rs747334107, ClinGen allele CA9300660.